The following is an entry in ClinVar:

NM_003322.6(TULP1):c.725_728del (p.Pro242fs)

Gene: TULP1 (TUB like protein 1; minus strand). Cytogenetic location: 6p21.31.
Variant type: Deletion.
Coding change: c.725_728del on transcript NM_003322.6 (MANE Select); coding-DNA positions 725 to 728, 4 bases deleted (CCAA; older notation c.725_728delCCAA).
Protein change: p.Pro242fs; shifts the reading frame from proline 242.
Molecular consequence: frameshift variant.
Genome position (GRCh38, 1-based): chr6:35,509,303-35,509,306, TTGG deleted on the plus strand (CCAA on the coding strand, the reverse complement: TULP1 is on the minus strand). VCF-style (leftmost placement, unchanged base first): chr6-35509302-TTTGG-T. GRCh37 (hg19) VCF-style: chr6-35477079-TTTGG-T.
Other names: c.566_569del, p.Pro189fs (NM_001289395.2); short protein forms P189fs, P242fs.
Identifiers: ClinVar variation 198784 (VCV000198784.11), dbSNP rs771723580, ClinGen allele CA275433.

ClinVar aggregate classification (germline): Pathogenic. Review status: criteria provided, multiple submitters, no conflicts (2 of 4 stars). 2 submissions from 2 submitters: Pathogenic (2). Last evaluated 2024-07-31.

Allele frequency attached by ClinVar (database versions not stated): gnomAD exomes below 0.00001; ExAC 0.00001; TOPMed 0.00001; gnomAD 0.00003.

Submissions (2):

Labcorp Genetics (formerly Invitae), Labcorp
Classification: Pathogenic. Last evaluated: 2024-07-31. Review status: criteria provided, single submitter. Criteria: Invitae Variant Classification Sherloc (09022015). Collection method: clinical testing. Allele origin: germline.
Comment: This sequence change creates a premature translational stop signal (p.Pro242Glnfs*16) in the TULP1 gene. It is expected to result in an absent or disrupted protein product. Loss-of-function variants in TULP1 are known to be pathogenic (PMID: 8606774, 10549638, 15024725, 18055821). This variant is present in population databases (rs771723580, gnomAD 0.003%). This premature translational stop signal has been observed in individual(s) with Leber congenital amaurosis (PMID: 23847139). ClinVar contains an entry for this variant (Variation ID: 198784). For these reasons, this variant has been classified as Pathogenic.

Eurofins Ntd Llc (ga)
Classification: Pathogenic. Last evaluated: 2015-04-03. Review status: criteria provided, single submitter. Criteria: EGL Classification Definitions 2015. Collection method: clinical testing. Allele origin: germline. Observed: 3 variant alleles, 3 heterozygotes.

Literature cited by the submitters: PubMed 8606774 (cited by Labcorp Genetics (formerly Invitae), Labcorp); PubMed 10549638 (cited by Labcorp Genetics (formerly Invitae), Labcorp); PubMed 15024725 (cited by Labcorp Genetics (formerly Invitae), Labcorp); PubMed 18055821 (cited by Labcorp Genetics (formerly Invitae), Labcorp); PubMed 23847139 (cited by Labcorp Genetics (formerly Invitae), Labcorp).